The following is an entry in ClinVar:

NM_001183.6(ATP6AP1):c.656C>T (p.Ala219Val)

Gene: ATP6AP1 (ATPase H+ transporting accessory protein 1; plus strand). Cytogenetic location: Xq28.
Variant type: single nucleotide variant.
Coding change: c.656C>T on transcript NM_001183.6 (MANE Select); coding-DNA position 656, C replaced by T.
Protein change: p.Ala219Val; replaces alanine 219 with valine.
Molecular consequence: missense variant.
Genome position (GRCh38, 1-based): chrX:154,433,692, C>T. VCF-style: chrX-154433692-C-T. GRCh37 (hg19) VCF-style: chrX-153662038-C-T.
Other names: short protein forms A219V.
Identifiers: ClinVar variation 1422747 (VCV001422747.6), dbSNP rs782597304, ClinGen allele CA10562677.
Genomic context (GRCh38, chrX:154,433,692, plus strand): 5'-CAGATGAGGTCATCGGGCAGGTCCTGAGCACACTCAAGTCCGAAGATGTCCCATACACAG[C>T]GGCCCTCACAGCGGTCCGCCCTTCCAGGGTATGTGCCCTTCCAGCAGGGGCTCTGGGGCG-3'
Protein context (NP_001174.2, residues 209-229): TLKSEDVPYT[Ala219Val]ALTAVRPSRV

ClinVar aggregate classification (germline): Uncertain significance (1 of 4 stars; one submission).

Allele frequency attached by ClinVar (database versions not stated): TOPMed below 0.00001; gnomAD 0.00001; ExAC 0.00002; gnomAD exomes 0.00002.
gnomAD v4.1: 23 of 1,210,137 alleles (0.0019%); highest among the groups gnomAD compares: Non-Finnish European, 0.0025%; no homozygotes.

Submission:

Labcorp Genetics (formerly Invitae), Labcorp
Classification: Uncertain significance. Last evaluated: 2025-12-21. Review status: criteria provided, single submitter. Criteria: Invitae Variant Classification Sherloc (09022015). Collection method: clinical testing. Allele origin: germline.
Comment: This sequence change replaces alanine, which is neutral and non-polar, with valine, which is neutral and non-polar, at codon 219 of the ATP6AP1 protein (p.Ala219Val). This variant is present in population databases (rs782597304, gnomAD 0.004%). This variant has not been reported in the literature in individuals affected with ATP6AP1-related conditions. ClinVar contains an entry for this variant (Variation ID: 1422747). Invitae Evidence Modeling of protein sequence and biophysical properties (such as structural, functional, and spatial information, amino acid conservation, physicochemical variation, residue mobility, and thermodynamic stability) indicates that this missense variant is not expected to disrupt ATP6AP1 protein function with a negative predictive value of 80%. In summary, the available evidence is currently insufficient to determine the role of this variant in disease. Therefore, it has been classified as a Variant of Uncertain Significance.